The following is an entry in ClinVar:

ClinVar aggregate classification (germline): Uncertain significance. Review status: criteria provided, multiple submitters, no conflicts (2 of 4 stars). 2 submissions from 2 submitters: Uncertain significance (2). Last evaluated 2025-05-17.

Conditions:
Cardiovascular phenotype. Identifiers: MedGen CN230736.
Long QT syndrome (LQTS). Identifiers: MedGen C0023976, MeSH D008133, MONDO:0002442. Disease mechanism: loss of function. Inheritance: Various modes of inheritance.

Allele frequency attached by ClinVar (database versions not stated): gnomAD exomes below 0.00001; TOPMed below 0.00001.
gnomAD v4.1: 1 of 1,614,168 alleles (0.000062%); highest among the groups gnomAD compares: Non-Finnish European, 0.000085%; no homozygotes.

Submissions (2):

Ambry Genetics
Classification: Uncertain significance for Cardiovascular phenotype. Last evaluated: 2025-05-17. Review status: criteria provided, single submitter. Criteria: Ambry Variant Classification Scheme 2023. Collection method: clinical testing. Allele origin: germline.
Comment: The p.S919I variant (also known as c.2756G>T), located in coding exon 25 of the ANK2 gene, results from a G to T substitution at nucleotide position 2756. The serine at codon 919 is replaced by isoleucine, an amino acid with dissimilar properties. This amino acid position is conserved. In addition, this alteration is predicted to be deleterious by in silico analysis. Based on the available evidence, the clinical significance of this variant remains unclear.

Labcorp Genetics (formerly Invitae), Labcorp
Classification: Uncertain significance for Long QT syndrome. Last evaluated: 2020-12-04. Review status: criteria provided, single submitter. Criteria: Invitae Variant Classification Sherloc (09022015). Collection method: clinical testing. Allele origin: germline.
Comment: This sequence change replaces serine with isoleucine at codon 919 of the ANK2 protein (p.Ser919Ile). The serine residue is moderately conserved and there is a large physicochemical difference between serine and isoleucine. This variant is not present in population databases (ExAC no frequency). This variant has not been reported in the literature in individuals with ANK2-related conditions. Algorithms developed to predict the effect of missense changes on protein structure and function are either unavailable or do not agree on the potential impact of this missense change (SIFT: "Deleterious"; PolyPhen-2: "Possibly Damaging"; Align-GVGD: "Class C0"). In summary, the available evidence is currently insufficient to determine the role of this variant in disease. Therefore, it has been classified as a Variant of Uncertain Significance.

NM_001148.6(ANK2):c.2756G>T (p.Ser919Ile)

Gene: ANK2 (ankyrin 2; plus strand). Cytogenetic location: 4q26.
Variant type: single nucleotide variant.
Coding change: c.2756G>T on transcript NM_001148.6 (MANE Select); coding-DNA position 2756, G replaced by T.
Protein change: p.Ser919Ile; replaces serine 919 with isoleucine.
Molecular consequence: missense variant.
Genome position (GRCh38, 1-based): chr4:113,317,769, G>T. VCF-style: chr4-113317769-G-T. GRCh37 (hg19) VCF-style: chr4-114238925-G-T.
Other names: c.2690G>T, p.Ser897Ile (NM_001354244.2, NM_001354252.2, NM_001354256.2 and 3 more transcripts); c.2657G>T, p.Ser886Ile (NM_001354245.2, NM_001354268.2); c.2753G>T, p.Ser918Ile (NM_001354246.2, NM_001354235.2, NM_001354236.2 and 1 more transcripts); c.2669G>T, p.Ser890Ile (NM_001354249.2, NM_001354276.2, NM_001386149.1 and 7 more transcripts); c.2594G>T, p.Ser865Ile (NM_001354253.2, NM_001354257.2, NM_001354270.2 and 1 more transcripts); c.2705G>T, p.Ser902Ile (NM_001354254.2); c.2693G>T, p.Ser898Ile (NM_001354255.2, NM_001354275.2, NM_001127493.3 and 3 more transcripts); c.2543G>T, p.Ser848Ile (NM_001354269.3); and 18 more; short protein forms S791I, S824I, S905I, S918I, S848I, S852I, S865I, S890I.
Identifiers: ClinVar variation 1491032 (VCV001491032.9), dbSNP rs928589458, ClinGen allele CA103815278.